The following is an entry in ClinVar:

ClinVar aggregate classification (germline): Conflicting classifications of pathogenicity. Review status: criteria provided, conflicting classifications (1 of 4 stars). 6 submissions from 6 submitters: Uncertain significance (2); Benign (1); Likely benign (1). 2 of the submissions do not count toward it. Last evaluated 2026-01-28.

Conditions:
CNGB3-related disorder. Also called: CNGB3-related disorders; CNGB3-related condition. Identifiers: MedGen CN239340.
Achromatopsia. Also called: Rod monochromatism. Identifiers: Orphanet 49382, MedGen C0152200, MONDO:0018852, HP:0011516.
Severe early-childhood-onset retinal dystrophy (STGD1). Also called: MACULAR DYSTROPHY WITH FLECKS, TYPE 1; STGD; Stargardt macular dystrophy; Juvenile onset macular degeneration; Stargardt disease 1. Identifiers: Orphanet 364055, Orphanet 827, MedGen C1855465, MeSH D000080362, MONDO:0009549, OMIM 248200.
Achromatopsia 3 (ACHM3). Also called: ACHROMATOPSIA WITH MYOPIA; PINGELAPESE BLINDNESS; TOTAL COLORBLINDNESS WITH MYOPIA; ROD MONOCHROMACY 1; ROD MONOCHROMATISM 1. Identifiers: Orphanet 49382, MedGen C1849792, MONDO:0009875, OMIM 262300.

Allele frequency attached by ClinVar (database versions not stated): 1000 Genomes Project 30x 0.00375; ExAC 0.00107; TOPMed 0.00366; gnomAD exomes 0.00086; 1000 Genomes Project 0.00379; gnomAD 0.00324 and 0.00350; ESP Exome Variant Server 0.00408.
gnomAD v4.1: 931 of 1,611,844 alleles (0.058%); highest among the groups gnomAD compares: African/African-American, 1.1%; 4 homozygotes.

Submissions (6):

Labcorp Genetics (formerly Invitae), Labcorp
Classification: Benign. Last evaluated: 2026-01-28. Review status: criteria provided, single submitter. Criteria: Invitae Variant Classification Sherloc (09022015). Collection method: clinical testing. Allele origin: germline.

Blueprint Genetics
Classification: Likely benign. Last evaluated: 2024-09-02. Review status: criteria provided, single submitter. Criteria: ACMG Guidelines, 2015. Collection method: clinical testing. Allele origin: germline.

Fulgent Genetics
Classification: Uncertain significance for Severe early-childhood-onset retinal dystrophy; Achromatopsia 3. Last evaluated: 2018-10-31. Review status: criteria provided, single submitter. Criteria: ACMG Guidelines, 2015. Collection method: clinical testing. Allele origin: unknown.

GeneDx
Classification: Uncertain significance. Last evaluated: 2016-06-10. Review status: criteria provided, single submitter. Criteria: GeneDx Variant Classification (06012015). Collection method: clinical testing. Allele origin: germline. Affected: yes.
Comment: The L498M variant in the CNGB3 gene has not been reported previously as a pathogenic variant, nor as a benign variant, to our knowledge. The NHLBI ESP Exome Sequencing Project reports L498M was observed in 52/4406 (1.2%) alleles from individuals of African American background, with one homozygous individual reported, indicating it may be a rare benign variant in this population. The L498M variant is a conservative amino acid substitution, which is not likely to impact secondary protein structure as these residues share similar properties. This substitution occurs at a position where amino acids with similar properties to Leucine are tolerated across species. In silico analysis predicts this variant is probably damaging to the protein structure/function. We interpret L498M as a variant of uncertain significance.

Natera, Inc.
Classification: Benign for Achromatopsia. Last evaluated: 2019-11-11. Review status: no assertion criteria provided. Collection method: clinical testing. Allele origin: germline. Not counted in ClinVar's aggregate classification.

PreventionGenetics, part of Exact Sciences
Classification: Benign for CNGB3-related condition. Last evaluated: 2019-10-25. Review status: no assertion criteria provided. Collection method: clinical testing. Allele origin: germline. Not counted in ClinVar's aggregate classification.
Comment: This variant is classified as benign based on ACMG/AMP sequence variant interpretation guidelines (Richards et al. 2015 PMID: 25741868, with internal and published modifications).

NM_019098.5(CNGB3):c.1492T>A (p.Leu498Met)

Gene: CNGB3 (cyclic nucleotide gated channel subunit beta 3; minus strand). Cytogenetic location: 8q21.3.
Variant type: single nucleotide variant.
Coding change: c.1492T>A on transcript NM_019098.5 (MANE Select); coding-DNA position 1492, T replaced by A.
Protein change: p.Leu498Met; replaces leucine 498 with methionine.
Molecular consequence: missense variant.
Genome position (GRCh38, 1-based): chr8:86,626,069, A>T on the plus strand (T>A on the coding strand, the complement: CNGB3 is on the minus strand). VCF-style: chr8-86626069-A-T. GRCh37 (hg19) VCF-style: chr8-87638297-A-T.
Other names: short protein forms L498M.
Identifiers: ClinVar variation 421450 (VCV000421450.19), dbSNP rs115246141, ClinGen allele CA4799998.